The following is an entry in ClinVar:

ClinVar aggregate classification (germline): Uncertain significance (1 of 4 stars; one submission).

gnomAD v4.1: 16 of 1,609,602 alleles (0.00099%); highest among the groups gnomAD compares: East Asian, 0.011%; no homozygotes.

Submission:

Labcorp Genetics (formerly Invitae), Labcorp
Classification: Uncertain significance. Last evaluated: 2025-07-07. Review status: criteria provided, single submitter. Criteria: Invitae Variant Classification Sherloc (09022015). Collection method: clinical testing. Allele origin: germline.
Comment: This sequence change replaces arginine, which is basic and polar, with glutamine, which is neutral and polar, at codon 418 of the MIPEP protein (p.Arg418Gln). This variant is present in population databases (rs780546470, gnomAD 0.01%). This variant has not been reported in the literature in individuals affected with MIPEP-related conditions. Invitae Evidence Modeling of protein sequence and biophysical properties (such as structural, functional, and spatial information, amino acid conservation, physicochemical variation, residue mobility, and thermodynamic stability) indicates that this missense variant is not expected to disrupt MIPEP protein function with a negative predictive value of 80%. In summary, the available evidence is currently insufficient to determine the role of this variant in disease. Therefore, it has been classified as a Variant of Uncertain Significance.

NM_005932.4(MIPEP):c.1253G>A (p.Arg418Gln)

Gene: MIPEP (mitochondrial intermediate peptidase; minus strand). Cytogenetic location: 13q12.12.
Variant type: single nucleotide variant.
Coding change: c.1253G>A on transcript NM_005932.4 (MANE Select); coding-DNA position 1253, G replaced by A.
Protein change: p.Arg418Gln; replaces arginine 418 with glutamine.
Molecular consequence: missense variant.
Genome position (GRCh38, 1-based): chr13:23,841,342, C>T on the plus strand (G>A on the coding strand, the complement: MIPEP is on the minus strand). VCF-style: chr13-23841342-C-T. GRCh37 (hg19) VCF-style: chr13-24415481-C-T.
Other names: short protein forms R418Q.
Identifiers: ClinVar variation 4749452 (VCV004749452.1).